The following is an entry in ClinVar:

NM_021008.4(DEAF1):c.1355G>A (p.Ser452Asn)

Genes: DEAF1 (DEAF1 transcription factor; minus strand), LOC126861109 (BRD4-independent group 4 enhancer GRCh37_chr11:673917-675116; plus strand). Cytogenetic location: 11p15.5.
Variant type: single nucleotide variant.
Coding change: c.1355G>A on transcript NM_021008.4 (MANE Select); coding-DNA position 1355, G replaced by A.
Protein change: p.Ser452Asn; replaces serine 452 with asparagine.
Molecular consequence: missense variant.
Genome position (GRCh38, 1-based): chr11:674,684, C>T on the plus strand (G>A on the coding strand, the complement: DEAF1 is on the minus strand). VCF-style: chr11-674684-C-T. GRCh37 (hg19) VCF-style: chr11-674684-C-T.
Other names: c.1088G>A, p.Ser363Asn (NM_001293634.2); c.629G>A, p.Ser210Asn (NM_001367390.1); short protein forms S363N, S452N, S210N.
Identifiers: ClinVar variation 2782782 (VCV002782782.3), dbSNP rs2494379570, ClinGen allele CA378924235.

ClinVar aggregate classification (germline): Uncertain significance (1 of 4 stars; one submission).

Submission:

Labcorp Genetics (formerly Invitae), Labcorp
Classification: Uncertain significance. Last evaluated: 2023-07-07. Review status: criteria provided, single submitter. Criteria: Invitae Variant Classification Sherloc (09022015). Collection method: clinical testing. Allele origin: germline.
Comment: In summary, the available evidence is currently insufficient to determine the role of this variant in disease. Therefore, it has been classified as a Variant of Uncertain Significance. Advanced modeling of protein sequence and biophysical properties (such as structural, functional, and spatial information, amino acid conservation, physicochemical variation, residue mobility, and thermodynamic stability) performed at Invitae indicates that this missense variant is not expected to disrupt DEAF1 protein function. This variant has not been reported in the literature in individuals affected with DEAF1-related conditions. This variant is not present in population databases (gnomAD no frequency). This sequence change replaces serine, which is neutral and polar, with asparagine, which is neutral and polar, at codon 452 of the DEAF1 protein (p.Ser452Asn).